The following is an entry in ClinVar:

NM_005982.4(SIX1):c.*602G>C

Gene: SIX1 (SIX homeobox 1; minus strand). Cytogenetic location: 14q23.1.
Variant type: single nucleotide variant.
Coding change: c.*602G>C on transcript NM_005982.4 (MANE Select); 602 bases downstream of the stop codon, G replaced by C.
Molecular consequence: 3 prime UTR variant.
Genome position (GRCh38, 1-based): chr14:60,645,681, C>G on the plus strand (G>C on the coding strand, the complement: SIX1 is on the minus strand). VCF-style: chr14-60645681-C-G. GRCh37 (hg19) VCF-style: chr14-61112399-C-G.
Identifiers: ClinVar variation 313454 (VCV000313454.5), dbSNP rs78909843, ClinGen allele CA10644358.

ClinVar aggregate classification (germline): Benign. Review status: criteria provided, single submitter (1 of 4 stars). 2 submissions from 1 submitter: Benign (2). Last evaluated 2018-01-12.

Conditions:
Branchiootic syndrome 3 (BOS3). Also called: BO SYNDROME 3. Identifiers: MedGen C1842124, MONDO:0012025, OMIM 608389.
Autosomal dominant nonsyndromic hearing loss 23. Identifiers: Orphanet 90635, MedGen C1854594, MONDO:0011519, OMIM 605192.

Allele frequency attached by ClinVar (database versions not stated): gnomAD 0.02468 and 0.02638; TOPMed 0.02793; 1000 Genomes Project 0.02895; 1000 Genomes Project 30x 0.03170.

Submissions (2):

Illumina Laboratory Services, Illumina
Classification: Benign for Autosomal dominant nonsyndromic hearing loss 23. Last evaluated: 2018-01-12. Review status: criteria provided, single submitter. Criteria: ICSL Variant Classification Criteria 13 December 2019. Collection method: clinical testing. Allele origin: germline.
Comment: This variant was observed in the ICSL laboratory as part of a predisposition screen in an ostensibly healthy population. It had not been previously curated by ICSL or reported in the Human Gene Mutation Database (HGMD: prior to June 1st, 2018), and was therefore a candidate for classification through an automated scoring system. Utilizing variant allele frequency, disease prevalence and penetrance estimates, and inheritance mode, an automated score was calculated to assess if this variant is too frequent to cause the disease. Based on the score and internal cut-off values, a variant classified as benign is not then subjected to further curation. The score for this variant resulted in a classification of benign for this disease.

Illumina Laboratory Services, Illumina
Classification: Benign for Branchiootic syndrome 3. Last evaluated: 2018-01-12. Review status: criteria provided, single submitter. Criteria: ICSL Variant Classification Criteria 13 December 2019. Collection method: clinical testing. Allele origin: germline.
Comment: the same text as in the submission from Illumina Laboratory Services, Illumina above.